The following is an entry in ClinVar:

NM_001966.4(EHHADH):c.6C>G (p.Ala2=)

Gene: EHHADH (enoyl-CoA hydratase and 3-hydroxyacyl CoA dehydrogenase; minus strand). Cytogenetic location: 3q27.2.
Variant type: single nucleotide variant.
Coding change: c.6C>G on transcript NM_001966.4 (MANE Select); coding-DNA position 6, C replaced by G.
Protein change: p.Ala2=; no amino-acid change (alanine 2 retained).
Molecular consequence: synonymous variant. On other transcripts: 5 prime UTR variant (1).
Genome position (GRCh38, 1-based): chr3:185,254,017, G>C on the plus strand (C>G on the coding strand, the complement: EHHADH is on the minus strand). VCF-style: chr3-185254017-G-C. GRCh37 (hg19) VCF-style: chr3-184971805-G-C.
Other names: c.-406C>G (NM_001166415.2); c.6C>G (NM_001966.3).
Identifiers: ClinVar variation 597981 (VCV000597981.30), dbSNP rs141515588, ClinGen allele CA2739372.
Genomic context (GRCh38, chr3:185,254,017, plus strand): 5'-GTTGACCGGCGGGTTTCGGAGGCGGATTAGCGCCAAGGCGTTGTGCAGCCGCGTATACTC[G>C]GCCATGTTTCCTCTATCACCGAGGGCACCTCTGCCTCTCGCCGTCAGGCAAACCACTTTT-3'
Protein context (NP_001957.2, residues 1-12): M[Ala2=]EYTRLHNALA

ClinVar aggregate classification (germline): Conflicting classifications of pathogenicity. Review status: criteria provided, conflicting classifications (1 of 4 stars). 3 submissions from 3 submitters: Uncertain significance (1); Likely benign (1). 1 of the submissions does not count toward it. Last evaluated 2023-04-01.

Conditions:
EHHADH-related disorder. Also called: EHHADH-related condition.

Allele frequency attached by ClinVar (database versions not stated): TOPMed 0.00021; gnomAD 0.00029; ESP Exome Variant Server 0.00046.
gnomAD v4.1: 469 of 1,613,630 alleles (0.029%); highest among the groups gnomAD compares: Non-Finnish European, 0.032%; 1 homozygote.

Submissions (3):

CeGaT Center for Human Genetics Tuebingen
Classification: Likely benign. Last evaluated: 2023-04-01. Review status: criteria provided, single submitter. Criteria: CeGaT Center For Human Genetics Tuebingen Variant Classification Criteria Version 2. Collection method: clinical testing. Allele origin: germline. Affected: yes. Observed: 1 variant allele.
Comment: EHHADH: BP4, BP7

Eurofins Ntd Llc (ga)
Classification: Uncertain significance. Last evaluated: 2018-07-10. Review status: criteria provided, single submitter. Criteria: EGL ClinVar v180209 classification definitions. Collection method: clinical testing. Allele origin: germline. Observed: 1 variant allele, 1 heterozygote.

PreventionGenetics, part of Exact Sciences
Classification: Likely benign for EHHADH-related condition. Last evaluated: 2022-12-09. Review status: no assertion criteria provided. Collection method: clinical testing. Allele origin: germline. Not counted in ClinVar's aggregate classification.
Comment: This variant is classified as likely benign based on ACMG/AMP sequence variant interpretation guidelines (Richards et al. 2015 PMID: 25741868, with internal and published modifications).